The following is an entry in ClinVar:

ClinVar aggregate classification (germline): Uncertain significance. Review status: criteria provided, multiple submitters, no conflicts (2 of 4 stars). 4 submissions from 4 submitters: Uncertain significance (3). 1 of the submissions does not count toward it. Last evaluated 2022-10-17.

Conditions:
HYAL1-related disorder. Also called: HYAL1-related condition.
Deficiency of hyaluronoglucosaminidase (MPS9). Also called: MPS IX; Mucopolysaccharidosis type 9; HYALURONIDASE DEFICIENCY. Identifiers: Orphanet 67041, MedGen C1291490, MONDO:0011093, OMIM 601492.

Allele frequency attached by ClinVar (database versions not stated): 1000 Genomes Project 0.00060; 1000 Genomes Project 30x 0.00062; TOPMed 0.00064; gnomAD exomes 0.00076 and 0.00126; gnomAD 0.00080 and 0.00082; ExAC 0.00081; ESP Exome Variant Server 0.00123.
gnomAD v4.1: 1,956 of 1,613,820 alleles (0.12%); highest among the groups gnomAD compares: Non-Finnish European, 0.15%; 2 homozygotes.

Submissions (4):

Labcorp Genetics (formerly Invitae), Labcorp
Classification: Uncertain significance for Deficiency of hyaluronoglucosaminidase. Last evaluated: 2022-10-17. Review status: criteria provided, single submitter. Criteria: Invitae Variant Classification Sherloc (09022015). Collection method: clinical testing. Allele origin: germline.
Comment: This sequence change replaces alanine, which is neutral and non-polar, with threonine, which is neutral and polar, at codon 227 of the HYAL1 protein (p.Ala227Thr). This variant is present in population databases (rs143176318, gnomAD 0.1%), and has an allele count higher than expected for a pathogenic variant. This variant has not been reported in the literature in individuals affected with HYAL1-related conditions. ClinVar contains an entry for this variant (Variation ID: 901574). Algorithms developed to predict the effect of missense changes on protein structure and function output the following: SIFT: "Tolerated"; PolyPhen-2: "Benign"; Align-GVGD: "Class C0". The threonine amino acid residue is found in multiple mammalian species, which suggests that this missense change does not adversely affect protein function. In summary, the available evidence is currently insufficient to determine the role of this variant in disease. Therefore, it has been classified as a Variant of Uncertain Significance.

Illumina Laboratory Services, Illumina
Classification: Uncertain significance for Deficiency of hyaluronoglucosaminidase. Last evaluated: 2017-04-27. Review status: criteria provided, single submitter. Criteria: ICSL Variant Classification Criteria 13 December 2019. Collection method: clinical testing. Allele origin: germline.

Breakthrough Genomics
Classification: Uncertain significance. Review status: criteria provided, single submitter. Criteria: ACMG Guidelines, 2015. Collection method: not provided. Allele origin: germline. Inheritance: Autosomal recessive inheritance. Affected: yes.

PreventionGenetics, part of Exact Sciences
Classification: Likely benign for HYAL1-related condition. Last evaluated: 2024-07-11. Review status: no assertion criteria provided. Collection method: clinical testing. Allele origin: germline. Not counted in ClinVar's aggregate classification.
Comment: This variant is classified as likely benign based on ACMG/AMP sequence variant interpretation guidelines (Richards et al. 2015 PMID: 25741868, with internal and published modifications).

NM_033159.4(HYAL1):c.679G>A (p.Ala227Thr)

Gene: HYAL1 (hyaluronidase 1; minus strand). Cytogenetic location: 3p21.31.
Variant type: single nucleotide variant.
Coding change: c.679G>A on transcript NM_033159.4 (MANE Select); coding-DNA position 679, G replaced by A.
Protein change: p.Ala227Thr; replaces alanine 227 with threonine.
Molecular consequence: missense variant. On other transcripts: non-coding transcript variant (1), intron variant (1).
Genome position (GRCh38, 1-based): chr3:50,302,278, C>T on the plus strand (G>A on the coding strand, the complement: HYAL1 is on the minus strand). VCF-style: chr3-50302278-C-T. GRCh37 (hg19) VCF-style: chr3-50339709-C-T.
Other names: c.679G>A, p.Ala227Thr (NM_153281.2, NM_153282.3); c.133G>A, p.Ala45Thr (NM_153283.3); c.-26-73G>A (NM_153285.3); short protein forms A227T, A45T.
Identifiers: ClinVar variation 901574 (VCV000901574.8), dbSNP rs143176318, ClinGen allele CA2415891.